The following is an entry in ClinVar:

NM_001173990.2(TMEM216):c.-443T>C

Gene: TMEM216 (transmembrane protein 216; plus strand). Cytogenetic location: 11q12.2.
Variant type: single nucleotide variant.
Coding change: c.-443T>C on transcript NM_001173990.2; 443 bases upstream of the start codon, T replaced by C.
Genome position (GRCh38, 1-based): chr11:61,392,189, T>C. VCF-style: chr11-61392189-T-C. GRCh37 (hg19) VCF-style: chr11-61159661-T-C.
Identifiers: ClinVar variation 667552 (VCV000667552.4), dbSNP rs10750955, ClinGen allele CA13442930.

ClinVar aggregate classification (germline): Benign. Review status: criteria provided, multiple submitters, no conflicts (2 of 4 stars). 2 submissions from 2 submitters: Benign (2). Last evaluated 2018-06-19.

Allele frequency attached by ClinVar (database versions not stated): 1000 Genomes Project 0.86102; gnomAD 0.84580 and 0.84888; 1000 Genomes Project 30x 0.85775; TOPMed 0.84318; gnomAD exomes 0.86429.

Submissions (2):

GeneDx
Classification: Benign. Last evaluated: 2018-06-19. Review status: criteria provided, single submitter. Criteria: GeneDx Variant Classification (06012015). Collection method: clinical testing. Allele origin: germline. Affected: yes.
Comment: This variant is considered likely benign or benign based on one or more of the following criteria: it is a conservative change, it occurs at a poorly conserved position in the protein, it is predicted to be benign by multiple in silico algorithms, and/or has population frequency not consistent with disease.

Breakthrough Genomics
Classification: Benign. Review status: criteria provided, single submitter. Criteria: ACMG Guidelines, 2015. Collection method: not provided. Allele origin: germline. Inheritance: Autosomal recessive inheritance. Affected: yes.